The following is an entry in ClinVar:

ClinVar aggregate classification (germline): Uncertain significance (1 of 4 stars; one submission).

Conditions:
Primary ciliary dyskinesia. Also called: Ciliary dyskinesia. Identifiers: Orphanet 244, MedGen C0008780, MONDO:0016575, HP:0012265.

Allele frequency attached by ClinVar (database versions not stated): ESP Exome Variant Server 0.00008.
gnomAD v4.1: 43 of 1,610,430 alleles (0.0027%); highest among the groups gnomAD compares: Non-Finnish European, 0.0035%; no homozygotes.

Submission:

Ambry Genetics
Classification: Uncertain significance for Primary ciliary dyskinesia. Last evaluated: 2021-10-29. Review status: criteria provided, single submitter. Criteria: Ambry Variant Classification Scheme 2023. Collection method: clinical testing. Allele origin: germline.
Comment: The p.R248S variant (also known as c.742C>A) is located in coding exon 6 of the DNAAF1 gene. The arginine at codon 248 is replaced by serine, an amino acid with dissimilar properties. This change occurs in the first base pair of coding exon 6. This amino acid position is conserved. In addition, this alteration is predicted to be tolerated by in silico analysis. Since supporting evidence is limited at this time, the clinical significance of this alteration remains unclear.

NM_178452.6(DNAAF1):c.742C>A (p.Arg248Ser)

Gene: DNAAF1 (dynein axonemal assembly factor 1; plus strand). Cytogenetic location: 16q24.1.
Variant type: single nucleotide variant.
Coding change: c.742C>A on transcript NM_178452.6 (MANE Select); coding-DNA position 742, C replaced by A.
Protein change: p.Arg248Ser; replaces arginine 248 with serine.
Molecular consequence: missense variant. On other transcripts: 5 prime UTR variant (1).
Genome position (GRCh38, 1-based): chr16:84,159,675, C>A. VCF-style: chr16-84159675-C-A. GRCh37 (hg19) VCF-style: chr16-84193280-C-A.
Other names: c.-15C>A (NM_001318756.1); short protein forms R248S.
Identifiers: ClinVar variation 1758869 (VCV001758869.2), dbSNP rs146766692, ClinGen allele CA8202615.